The following is an entry in ClinVar:

NM_000038.6(APC):c.-19+1721A>G

Gene: APC (APC regulator of WNT signaling pathway; plus strand). Cytogenetic location: 5q22.2.
Variant type: single nucleotide variant.
Coding change: c.-19+1721A>G on transcript NM_000038.6 (MANE Select); 1721 bases into the intron after 19 bases upstream of the start codon, A replaced by G.
Molecular consequence: intron variant.
Genome position (GRCh38, 1-based): chr5:112,739,646, A>G. VCF-style: chr5-112739646-A-G. GRCh37 (hg19) VCF-style: chr5-112075343-A-G.
Other names: c.-18-15227A>G (NM_001354895.2); c.166-26680A>G (NM_001354897.2, NM_001354902.2, NM_001127511.3); c.-19+1186A>G (NM_001127510.3); c.60+1186A>G (NM_001354898.2, NM_001354904.2); c.-1054+1721A>G (NM_001354906.2); c.-19+1721A>G (NM_001354896.2, NM_001354903.2, NM_001354899.2); c.-43+1721A>G (NM_001354900.2, NM_001354901.2, NM_001354905.2).
Identifiers: ClinVar variation 82752 (VCV000082752.2), dbSNP rs76069662, ClinGen allele CA006374.

ClinVar aggregate classification (germline): other (0 of 4 stars; one submission).

Conditions:
Familial colorectal cancer. Identifiers: MedGen CN280943, MONDO:0023113. Disease mechanism: loss of function.

Submission:

Systems Biology Platform Zhejiang California International NanoSystems Institute
Classification: other for Familial colorectal cancer. Review status: no assertion criteria provided. Collection method: not provided. Allele origin: unknown.
ClinVar note: Converted during submission from cancer to other.